The following is an entry in ClinVar:

ClinVar aggregate classification (germline): Benign/Likely benign. Review status: criteria provided, multiple submitters, no conflicts (2 of 4 stars). 5 submissions from 5 submitters: Benign (4); Likely benign (1). Last evaluated 2026-03-30.

Conditions:
Ehlers-Danlos syndrome, musculocontractural type 2 (EDSMC2). Identifiers: Orphanet 2953, MedGen C3809845, MONDO:0014236, OMIM 615539.
Ehlers-Danlos syndrome (EDS). Identifiers: Orphanet 98249, MedGen C0013720, MONDO:0020066.

Allele frequency attached by ClinVar (database versions not stated): ESP Exome Variant Server 0.00038; gnomAD 0.00278 and 0.00453; gnomAD exomes 0.00414 and 0.00968; 1000 Genomes Project 0.01538; 1000 Genomes Project 30x 0.01608; TOPMed 0.00422; ExAC 0.00947.
gnomAD v4.1: 6,761 of 1,614,186 alleles (0.42%); highest among the groups gnomAD compares: South Asian, 3.9%; 162 homozygotes.

Submissions (5):

Women's Health and Genetics/Laboratory Corporation of America, LabCorp
Classification: Likely benign. Last evaluated: 2026-03-30. Review status: criteria provided, single submitter. Criteria: LabCorp Variant Classification Summary - May 2015. Collection method: clinical testing. Allele origin: germline.

Labcorp Genetics (formerly Invitae), Labcorp
Classification: Benign for Ehlers-Danlos syndrome, musculocontractural type 2. Last evaluated: 2026-02-01. Review status: criteria provided, single submitter. Criteria: Invitae Variant Classification Sherloc (09022015). Collection method: clinical testing. Allele origin: germline.

Mayo Clinic Laboratories, Mayo Clinic
Classification: Benign. Last evaluated: 2023-04-25. Review status: criteria provided, single submitter. Criteria: ACMG Guidelines, 2015. Collection method: clinical testing. Allele origin: germline. Observed: 8 variant alleles.
Comment: BA1, BS1, BS2, BP4

Genome Diagnostics Laboratory, The Hospital for Sick Children
Classification: Benign for Ehlers-Danlos syndrome. Last evaluated: 2021-11-12. Review status: criteria provided, single submitter. Criteria: ACMG Guidelines, 2015. Collection method: clinical testing. Allele origin: germline.

GeneDx
Classification: Benign. Last evaluated: 2017-08-10. Review status: criteria provided, single submitter. Criteria: GeneDx Variant Classification (06012015). Collection method: clinical testing. Allele origin: germline. Affected: yes.
Comment: This variant is considered likely benign or benign based on one or more of the following criteria: it is a conservative change, it occurs at a poorly conserved position in the protein, it is predicted to be benign by multiple in silico algorithms, and/or has population frequency not consistent with disease.

NM_013352.4(DSE):c.209G>A (p.Arg70His)

Gene: DSE (dermatan sulfate epimerase; plus strand). Cytogenetic location: 6q22.1.
Variant type: single nucleotide variant.
Coding change: c.209G>A on transcript NM_013352.4 (MANE Select); coding-DNA position 209, G replaced by A.
Protein change: p.Arg70His; replaces arginine 70 with histidine.
Molecular consequence: missense variant. On other transcripts: 5 prime UTR variant (4), non-coding transcript variant (1).
Genome position (GRCh38, 1-based): chr6:116,399,459, G>A. VCF-style: chr6-116399459-G-A. GRCh37 (hg19) VCF-style: chr6-116720622-G-A.
Other names: p.Arg70His; c.209G>A, p.Arg70His (NM_001080976.3, NM_001322937.2, NM_001322938.2 and 3 more transcripts); c.266G>A, p.Arg89His (NM_001322939.2); c.-349G>A (NM_001322940.2, NM_001322941.2); c.-692G>A (NM_001374520.1); c.-379G>A (NM_001374521.1); short protein forms R70H, R89H.
Identifiers: ClinVar variation 517062 (VCV000517062.17), dbSNP rs147683614, ClinGen allele CA3969488.